The following is an entry in ClinVar:

NM_000135.4(FANCA):c.522+7T>C

Gene: FANCA (FA complementation group A; minus strand). Cytogenetic location: 16q24.3.
Variant type: single nucleotide variant.
Coding change: c.522+7T>C on transcript NM_000135.4 (MANE Select); 7 bases into the intron after coding-DNA position 522, T replaced by C.
Molecular consequence: intron variant.
Genome position (GRCh38, 1-based): chr16:89,810,700, A>G on the plus strand (T>C on the coding strand, the complement: FANCA is on the minus strand). VCF-style: chr16-89810700-A-G. GRCh37 (hg19) VCF-style: chr16-89877108-A-G.
Other names: c.522+7T>C (NM_001286167.3, NM_001018112.3); c.426+229T>C (NM_001351830.2).
Identifiers: ClinVar variation 2681910 (VCV002681910.1), dbSNP rs1417821822, ClinGen allele CA624454925.

ClinVar aggregate classification (germline): Uncertain significance (1 of 4 stars; one submission).

Submission:

Quest Diagnostics Nichols Institute San Juan Capistrano
Classification: Uncertain significance. Last evaluated: 2023-01-13. Review status: criteria provided, single submitter. Criteria: Quest Diagnostics criteria. Collection method: clinical testing. Allele origin: unknown.
Comment: This variant has not been reported in the published literature. The frequency of this variant in the general population, 0.000004 (1/251450 chromosomes), is uninformative in assessment of its pathogenicity. Analysis of this variant using software algorithms for the prediction of the effect of nucleotide changes on splicing yielded predictions that this variant does not affect FANCA mRNA splicing . Based on the available information, we are unable to determine the clinical significance of this variant.